The following is an entry in ClinVar:

NM_002465.4(MYBPC1):c.2320T>C (p.Leu774=)

Gene: MYBPC1 (myosin binding protein C1; plus strand). Cytogenetic location: 12q23.2.
Variant type: single nucleotide variant.
Coding change: c.2320T>C on transcript NM_002465.4 (MANE Select); coding-DNA position 2320, T replaced by C.
Protein change: p.Leu774=; no amino-acid change (leucine 774 retained).
Molecular consequence: synonymous variant.
Genome position (GRCh38, 1-based): chr12:101,663,524, T>C. VCF-style: chr12-101663524-T-C. GRCh37 (hg19) VCF-style: chr12-102057302-T-C.
Other names: c.2245T>C, p.Leu749= (NM_001254718.3, NM_001254719.3, NM_206820.4 and 1 more transcripts); c.2209T>C, p.Leu737= (NM_001254720.3); c.2188T>C, p.Leu730= (NM_001254721.3, NM_001404676.1, NM_001404678.1); c.2167T>C, p.Leu723= (NM_001254722.3, NM_001404680.1); c.2206T>C, p.Leu736= (NM_001254723.3); c.2320T>C, p.Leu774= (NM_001404675.1, NM_206819.4); c.2110T>C, p.Leu704= (NM_001404677.1, NM_001404679.1, NM_001404681.1).
Identifiers: ClinVar variation 306742 (VCV000306742.46), dbSNP rs201984898, ClinGen allele CA6745019.
Genomic context (GRCh38, chr12:101,663,524, plus strand): 5'-GTCACTGACACGACTGTCACGATGAGGTGGCGCCCCCCAGACCACATTGGTGCAGCAGGT[T>C]TAGATGGCTATGTGCTAGAGTATTGCTTTGAAGGAAGTAAGTACAACCAGTAGATAAAAT-3'
Protein context (NP_002456.2, residues 764-784): RPPDHIGAAG[Leu774=]DGYVLEYCFE

ClinVar aggregate classification (germline): Benign/Likely benign. Review status: criteria provided, multiple submitters, no conflicts (2 of 4 stars). 5 submissions from 5 submitters: Benign (1); Likely benign (4). Last evaluated 2023-03-01.

Conditions:
Arthrogryposis, distal, type 1B. Identifiers: Orphanet 1146, MedGen C3280526, MONDO:0013698, OMIM 614335.

Allele frequency attached by ClinVar (database versions not stated): ExAC 0.00037; ESP Exome Variant Server 0.00038; TOPMed 0.00046; gnomAD exomes 0.00047 and 0.00056; gnomAD 0.00055 and 0.00059.
gnomAD v4.1: 909 of 1,613,880 alleles (0.056%); highest among the groups gnomAD compares: Middle Eastern, 0.099%; 1 homozygote.

Submissions (5):

CeGaT Center for Human Genetics Tuebingen
Classification: Likely benign. Last evaluated: 2023-03-01. Review status: criteria provided, single submitter. Criteria: CeGaT Center For Human Genetics Tuebingen Variant Classification Criteria Version 2. Collection method: clinical testing. Allele origin: germline. Affected: yes. Observed: 3 variant alleles.
Comment: MYBPC1: BP4, BP7

GeneDx
Classification: Likely benign. Last evaluated: 2021-02-01. Review status: criteria provided, single submitter. Criteria: GeneDx Variant Classification Process June 2021. Collection method: clinical testing. Allele origin: germline. Affected: yes.

Labcorp Genetics (formerly Invitae), Labcorp
Classification: Likely benign. Last evaluated: 2019-12-31. Review status: criteria provided, single submitter. Criteria: Invitae Variant Classification Sherloc (09022015). Collection method: clinical testing. Allele origin: germline.

Illumina Laboratory Services, Illumina
Classification: Benign for Arthrogryposis, distal, type 1B. Last evaluated: 2018-01-12. Review status: criteria provided, single submitter. Criteria: ICSL Variant Classification Criteria 13 December 2019. Collection method: clinical testing. Allele origin: germline.
Comment: This variant was observed in the ICSL laboratory as part of a predisposition screen in an ostensibly healthy population. It had not been previously curated by ICSL or reported in the Human Gene Mutation Database (HGMD: prior to June 1st, 2018), and was therefore a candidate for classification through an automated scoring system. Utilizing variant allele frequency, disease prevalence and penetrance estimates, and inheritance mode, an automated score was calculated to assess if this variant is too frequent to cause the disease. Based on the score and internal cut-off values, a variant classified as benign is not then subjected to further curation. The score for this variant resulted in a classification of benign for this disease.

Breakthrough Genomics
Classification: Likely benign. Review status: criteria provided, single submitter. Criteria: ACMG Guidelines, 2015. Collection method: not provided. Allele origin: germline. Inheritance: Autosomal recessive inheritance. Affected: yes.